The following is an entry in ClinVar:

ClinVar aggregate classification (germline): Uncertain significance (1 of 4 stars; one submission).

Conditions:
Primary ciliary dyskinesia. Also called: Ciliary dyskinesia. Identifiers: Orphanet 244, MedGen C0008780, MONDO:0016575, HP:0012265.

Submission:

Ambry Genetics
Classification: Uncertain significance for Primary ciliary dyskinesia. Last evaluated: 2022-08-07. Review status: criteria provided, single submitter. Criteria: Ambry Variant Classification Scheme 2023. Collection method: clinical testing. Allele origin: germline.
Comment: The p.R4615P variant (also known as c.13844G>C), located in coding exon 79 of the DNAH5 gene, results from a G to C substitution at nucleotide position 13844. The arginine at codon 4615 is replaced by proline, an amino acid with dissimilar properties. This amino acid position is conserved. In addition, the in silico prediction for this alteration is inconclusive. Since supporting evidence is limited at this time, the clinical significance of this alteration remains unclear.

NM_001369.3(DNAH5):c.13844G>C (p.Arg4615Pro)

Gene: DNAH5 (dynein axonemal heavy chain 5; minus strand). Cytogenetic location: 5p15.2.
Variant type: single nucleotide variant.
Coding change: c.13844G>C on transcript NM_001369.3 (MANE Select); coding-DNA position 13844, G replaced by C.
Protein change: p.Arg4615Pro; replaces arginine 4615 with proline.
Molecular consequence: missense variant.
Genome position (GRCh38, 1-based): chr5:13,692,015, C>G on the plus strand (G>C on the coding strand, the complement: DNAH5 is on the minus strand). VCF-style: chr5-13692015-C-G. GRCh37 (hg19) VCF-style: chr5-13692124-C-G.
Other names: short protein forms R4615P.
Identifiers: ClinVar variation 1771349 (VCV001771349.2), dbSNP rs1408568795, ClinGen allele CA359188538.